The following is an entry in ClinVar:

ClinVar aggregate classification (germline): Uncertain significance (1 of 4 stars; one submission).

Conditions:
TTC12-related disorder. Also called: TTC12-related condition.

Allele frequency attached by ClinVar (database versions not stated): gnomAD exomes below 0.00001.
gnomAD v4.1: 1 of 1,614,240 alleles (0.000062%); highest among the groups gnomAD compares: East Asian, 0.0022%; no homozygotes.

Submission:

PreventionGenetics, part of Exact Sciences
Classification: Uncertain significance for TTC12-related condition. Last evaluated: 2023-08-14. Review status: criteria provided, single submitter. Criteria: ACMG Guidelines, 2015. Collection method: clinical testing. Allele origin: germline.
Comment: The TTC12 c.1429T>C variant is predicted to result in the amino acid substitution p.Cys477Arg. To our knowledge, this variant has not been reported in the literature or in a large population database, indicating this variant is rare. At this time, the clinical significance of this variant is uncertain due to the absence of conclusive functional and genetic evidence.

NM_017868.4(TTC12):c.1411T>C (p.Cys471Arg)

Gene: TTC12 (tetratricopeptide repeat domain 12; plus strand). Cytogenetic location: 11q23.2.
Variant type: single nucleotide variant.
Coding change: c.1411T>C on transcript NM_017868.4 (MANE Select); coding-DNA position 1411, T replaced by C.
Protein change: p.Cys471Arg; replaces cysteine 471 with arginine.
Molecular consequence: missense variant. On other transcripts: non-coding transcript variant (3).
Genome position (GRCh38, 1-based): chr11:113,352,172, T>C. VCF-style: chr11-113352172-T-C. GRCh37 (hg19) VCF-style: chr11-113222894-T-C.
Other names: c.1429T>C, p.Cys477Arg (NM_001318533.2); c.1336T>C, p.Cys446Arg (NM_001352037.2); c.1414T>C, p.Cys472Arg (NM_001378063.1); c.1411T>C, p.Cys471Arg (NM_001378064.1, NM_001378065.1); short protein forms C446R, C471R, C472R, C477R.
Identifiers: ClinVar variation 2630748 (VCV002630748.1), dbSNP rs1200268459, ClinGen allele CA382643732.